The following is an entry in ClinVar:

ClinVar aggregate classification (germline): Uncertain significance (1 of 4 stars; one submission).

gnomAD v4.1: 3 of 1,614,138 alleles (0.00019%); highest among the groups gnomAD compares: East Asian, 0.0045%; no homozygotes.

Submission:

Labcorp Genetics (formerly Invitae), Labcorp
Classification: Uncertain significance. Last evaluated: 2022-10-27. Review status: criteria provided, single submitter. Criteria: Invitae Variant Classification Sherloc (09022015). Collection method: clinical testing. Allele origin: germline.
Comment: In summary, the available evidence is currently insufficient to determine the role of this variant in disease. Therefore, it has been classified as a Variant of Uncertain Significance. Advanced modeling of protein sequence and biophysical properties (such as structural, functional, and spatial information, amino acid conservation, physicochemical variation, residue mobility, and thermodynamic stability) performed at Invitae indicates that this missense variant is not expected to disrupt BACH2 protein function. This variant has not been reported in the literature in individuals affected with BACH2-related conditions. This variant is not present in population databases (gnomAD no frequency). This sequence change replaces serine, which is neutral and polar, with asparagine, which is neutral and polar, at codon 476 of the BACH2 protein (p.Ser476Asn).

NM_021813.4(BACH2):c.1427G>A (p.Ser476Asn)

Gene: BACH2 (BACH transcriptional regulator 2; minus strand). Cytogenetic location: 6q15.
Variant type: single nucleotide variant.
Coding change: c.1427G>A on transcript NM_021813.4 (MANE Select); coding-DNA position 1427, G replaced by A.
Protein change: p.Ser476Asn; replaces serine 476 with asparagine.
Molecular consequence: missense variant.
Genome position (GRCh38, 1-based): chr6:89,950,679, C>T on the plus strand (G>A on the coding strand, the complement: BACH2 is on the minus strand). VCF-style: chr6-89950679-C-T. GRCh37 (hg19) VCF-style: chr6-90660398-C-T.
Other names: c.1427G>A, p.Ser476Asn (NM_001170794.2); short protein forms S476N.
Identifiers: ClinVar variation 3004957 (VCV003004957.3), dbSNP rs200859292, ClinGen allele CA365070860.
Genomic context (GRCh38, chr6:89,950,679, plus strand): 5'-GGCCGCATCCTTCCTGGCAAGTGGTCGGCCATCAGCCCACCGTGGGAGTAGGCCTGCGAG[C>T]TGGGGAGGGACTGGCCGGCTCCCACCCACAGACCCTTTGGCACCGGCTCAGAGAGGTCTT-3'
Protein context (NP_068585.1, residues 466-486): LWVGAGQSLP[Ser476Asn]SQAYSHGGLM